The following is an entry in ClinVar:

ClinVar aggregate classification (germline): Conflicting classifications of pathogenicity. Review status: criteria provided, conflicting classifications (1 of 4 stars). 2 submissions from 2 submitters: Uncertain significance (1); Likely benign (1). Last evaluated 2024-11-15.

Conditions:
Diamond-Blackfan anemia 3 (DBA3). Also called: RPS24-Related Diamond-Blackfan Anemia. Identifiers: Orphanet 124, MedGen C1857719, MONDO:0012529, OMIM 610629.

Allele frequency attached by ClinVar (database versions not stated): gnomAD 0.00078 and 0.00117; ExAC 0.00167; 1000 Genomes Project 0.00759; 1000 Genomes Project 30x 0.00718; gnomAD exomes 0.00105 and 0.00335; TOPMed 0.00123.
gnomAD v4.1: 1,640 of 1,491,254 alleles (0.11%); highest among the groups gnomAD compares: East Asian, 3.5%; 33 homozygotes.

Submissions (2):

Blueprint Genetics
Classification: Likely benign. Last evaluated: 2024-11-15. Review status: criteria provided, single submitter. Criteria: ACMG Guidelines, 2015. Collection method: clinical testing. Allele origin: germline.

Baylor Genetics
Classification: Uncertain significance for Diamond-Blackfan anemia 3. Last evaluated: 2019-01-20. Review status: criteria provided, single submitter. Criteria: ACMG Guidelines, 2015. Collection method: clinical testing. Allele origin: unknown. Affected: yes. Study: CSER-TexasKidsCanSeq.
Comment: This variant was determined to be of uncertain significance according to ACMG Guidelines, 2015 [PMID:25741868]. This variant has been previously reported as disease-causing [PMID 27329125]

Literature cited by the submitters: PubMed 27329125 (cited by Baylor Genetics).

NM_001142285.2(RPS24):c.811A>C (p.Ile271Leu)

Gene: RPS24 (ribosomal protein S24; plus strand). Cytogenetic location: 10q22.3.
Variant type: single nucleotide variant.
Coding change: c.811A>C on transcript NM_001142285.2; coding-DNA position 811, A replaced by C.
Protein change: p.Ile271Leu; replaces isoleucine 271 with leucine.
Molecular consequence: missense variant.
Genome position (GRCh38, 1-based): chr10:78,054,951, A>C. VCF-style: chr10-78054951-A-C. GRCh37 (hg19) VCF-style: chr10-79814709-A-C.
Other names: short protein forms I271L.
Identifiers: ClinVar variation 998290 (VCV000998290.4), dbSNP rs74653472, ClinGen allele CA5572109.